The following is an entry in ClinVar:

NM_172362.3(KCNH1):c.1013T>C (p.Leu338Pro)

Gene: KCNH1 (potassium voltage-gated channel subfamily H member 1; minus strand). Cytogenetic location: 1q32.2.
Variant type: single nucleotide variant.
Coding change: c.1013T>C on transcript NM_172362.3 (MANE Select); coding-DNA position 1013, T replaced by C.
Protein change: p.Leu338Pro; replaces leucine 338 with proline.
Molecular consequence: missense variant. On other transcripts: intron variant (1).
Genome position (GRCh38, 1-based): chr1:211,018,802, A>G on the plus strand (T>C on the coding strand, the complement: KCNH1 is on the minus strand). VCF-style: chr1-211018802-A-G. GRCh37 (hg19) VCF-style: chr1-211192144-A-G.
Other names: c.951+62T>C (NM_002238.4); short protein forms L338P.
Identifiers: ClinVar variation 4985794 (VCV004985794.1).
Genomic context (GRCh38, chr1:211,018,802, plus strand): 5'-TTAAAGACATGACAACAAGGTCTGAGATTTGAGGGATGTACCTGACTCTCTCTCCCCTCC[A>G]GTGGTGGTGGAATCTGATCAGCAAAACCAATCTTCCCTGGATCACCCATAAAGGCACTAA-3'
Protein context (NP_758872.1, residues 328-348): IGFADQIPPP[Leu338Pro]EGRESQGISS

ClinVar aggregate classification (germline): Uncertain significance (1 of 4 stars; one submission).

Conditions:
KCNH1-related disorder. Also called: KCNH1-related disorders; KCNH1-related condition.

Submission:

PreventionGenetics, part of Exact Sciences
Classification: Uncertain significance for KCNH1-related condition. Last evaluated: 2026-05-08. Review status: criteria provided, single submitter. Criteria: ACMG Guidelines, 2015. Collection method: clinical testing. Allele origin: germline.
Comment: The KCNH1 c.1013T>C variant is predicted to result in the amino acid substitution p.Leu338Pro. To our knowledge, this variant has not been reported in the literature or in a large population database (gnomAD), indicating this variant is rare. At this time, the clinical significance of this variant is uncertain due to the absence of conclusive functional and genetic evidence.